The following is an entry in ClinVar:

NM_000492.4(CFTR):c.490-2A>C

Gene: CFTR (CF transmembrane conductance regulator; plus strand). Cytogenetic location: 7q31.2.
Variant type: single nucleotide variant.
Coding change: c.490-2A>C on transcript NM_000492.4 (MANE Select); the canonical splice acceptor site of the intron before coding-DNA position 490, A replaced by C.
Molecular consequence: splice acceptor variant.
Genome position (GRCh38, 1-based): chr7:117,534,274, A>C. VCF-style: chr7-117534274-A-C. GRCh37 (hg19) VCF-style: chr7-117174328-A-C.
Identifiers: ClinVar variation 4818568 (VCV004818568.1).

ClinVar aggregate classification (germline): Pathogenic (1 of 4 stars; one submission).

Conditions:
CFTR-related disorder (CFTR-RD). Also called: CFTR-related disorders; CFTR-related condition. Identifiers: MedGen C5924204, MONDO:7770004.

Submission:

Natera, Inc.
Classification: Pathogenic for CFTR-related disorders. Last evaluated: 2025-08-04. Review status: criteria provided, single submitter. Criteria: Natera Variant Classification Schema (03/2026). Collection method: clinical testing. Allele origin: germline.
Comment: The c.490-2A>C variant in CFTR is a canonical splice acceptor site variant predicted to affect pre-mRNA splicing, which may result in an abnormal transcript and altered protein product. This variant is expected to result in nonsense mediated decay, truncation, or a dysfunctional protein product. This variant is rare in the general population with a frequency below the threshold expected for the associated phenotype(s). This variant has been observed in one or more individuals affected with the associated recessive disease, as either homozygous or compound heterozygous with a second variant (PMID: 17914215, 29635781). Another variant at this same site results in an alteration predicted to cause a similar molecular effect has been observed in individual(s) with the associated phenotype. Given the available evidence, this variant is classified as Pathogenic.

Literature cited by the submitters: PubMed 17914215; PubMed 29635781.